The following is an entry in ClinVar:

NM_001283009.2(RTEL1):c.2894A>G (p.Glu965Gly)

Genes: RTEL1 (regulator of telomere elongation helicase 1; plus strand), RTEL1-TNFRSF6B (RTEL1-TNFRSF6B readthrough (NMD candidate); plus strand). Cytogenetic location: 20q13.33.
Variant type: single nucleotide variant.
Coding change: c.2894A>G on transcript NM_001283009.2 (MANE Select); coding-DNA position 2894, A replaced by G.
Protein change: p.Glu965Gly; replaces glutamic acid 965 with glycine.
Molecular consequence: missense variant. On other transcripts: non-coding transcript variant (1).
Genome position (GRCh38, 1-based): chr20:63,693,185, A>G. VCF-style: chr20-63693185-A-G. GRCh37 (hg19) VCF-style: chr20-62324538-A-G.
Other names: c.2225A>G, p.Glu742Gly (NM_001283010.1); c.2894A>G, p.Glu965Gly (NM_016434.4); c.2966A>G, p.Glu989Gly (NM_032957.5); short protein forms E989G, E742G, E965G.
Identifiers: ClinVar variation 4992558 (VCV004992558.1).
Genomic context (GRCh38, chr20:63,693,185, plus strand): 5'-ACGCCCCTTCCTCTACAGGCTTCTACCAGTTTGTGCGGCCCCACCATAAGCAGCAGTTTG[A>G]GGAGGTCTGTATCCAGCTGACAGGACGAGGCTGTGGCTATCGGCCTGAGCACAGCATTCC-3'
Protein context (NP_001269938.1, residues 955-975): FVRPHHKQQF[Glu965Gly]EVCIQLTGRG

ClinVar aggregate classification (germline): Uncertain significance (1 of 4 stars; one submission).

Conditions:
RTEL1-related disorder. Also called: RTEL1-related disorders; RTEL1-related condition.

Submission:

PreventionGenetics, part of Exact Sciences
Classification: Uncertain significance for RTEL1-related condition. Last evaluated: 2026-07-10. Review status: criteria provided, single submitter. Criteria: ACMG Guidelines, 2015. Collection method: clinical testing. Allele origin: germline.
Comment: The RTEL1 c.2894A>G variant is predicted to result in the amino acid substitution p.Glu965Gly. To our knowledge, this variant has not been reported in the literature or in a large population database (gnomAD), indicating this variant is rare. At this time, the clinical significance of this variant is uncertain due to the absence of conclusive functional and genetic evidence.